The following is an entry in ClinVar:

NM_022765.4(MICAL1):c.437G>A (p.Arg146His)

Gene: MICAL1 (microtubule associated monooxygenase, calponin and LIM domain containing 1; minus strand). Cytogenetic location: 6q21.
Variant type: single nucleotide variant.
Coding change: c.437G>A on transcript NM_022765.4 (MANE Select); coding-DNA position 437, G replaced by A.
Protein change: p.Arg146His; replaces arginine 146 with histidine.
Molecular consequence: missense variant.
Genome position (GRCh38, 1-based): chr6:109,453,667, C>T on the plus strand (G>A on the coding strand, the complement: MICAL1 is on the minus strand). VCF-style: chr6-109453667-C-T. GRCh37 (hg19) VCF-style: chr6-109774870-C-T.
Other names: c.437G>A, p.Arg146His (NM_001159291.2); c.494G>A, p.Arg165His (NM_001286613.2); c.437G>A (NM_022765.3); short protein forms R146H, R165H.
Identifiers: ClinVar variation 2140457 (VCV002140457.5), dbSNP rs1016519892, ClinGen allele CA145123024.
Genomic context (GRCh38, chr6:109,453,667, plus strand): 5'-CCGCCCCTCCAGGCCACCACGTGGTGCTCACTGATGTGGTCCAGGGTGCCGGTGCAGAAG[C>T]GCCCGTAGAACTTCTTAGCACCGAGTGCCCGCAGGTCGTGGATGGTGAAGGGCCAGAGGT-3'
Protein context (NP_073602.3, residues 136-156): RALGAKKFYG[Arg146His]FCTGTLDHIS

ClinVar aggregate classification (germline): Uncertain significance. Review status: criteria provided, multiple submitters, no conflicts (2 of 4 stars). 2 submissions from 2 submitters: Uncertain significance (2). Last evaluated 2025-11-23.

Allele frequency attached by ClinVar (database versions not stated): gnomAD exomes below 0.00001; TOPMed 0.00001.
gnomAD v4.1: 3 of 1,611,902 alleles (0.00019%); highest among the groups gnomAD compares: Admixed American, 0.0017%; no homozygotes.

Submissions (2):

Ambry Genetics
Classification: Uncertain significance. Last evaluated: 2025-11-23. Review status: criteria provided, single submitter. Criteria: Ambry Variant Classification Scheme 2023. Collection method: clinical testing. Allele origin: germline.

Labcorp Genetics (formerly Invitae), Labcorp
Classification: Uncertain significance. Last evaluated: 2024-01-02. Review status: criteria provided, single submitter. Criteria: Invitae Variant Classification Sherloc (09022015). Collection method: clinical testing. Allele origin: germline.
Comment: This sequence change replaces arginine, which is basic and polar, with histidine, which is basic and polar, at codon 165 of the MICAL1 protein (p.Arg165His). This variant is present in population databases (no rsID available, gnomAD 0.003%). This variant has not been reported in the literature in individuals affected with MICAL1-related conditions. ClinVar contains an entry for this variant (Variation ID: 2140457). An algorithm developed to predict the effect of missense changes on protein structure and function (PolyPhen-2) suggests that this variant is likely to be tolerated. In summary, the available evidence is currently insufficient to determine the role of this variant in disease. Therefore, it has been classified as a Variant of Uncertain Significance.